The following is an entry in ClinVar:

NC_000002.11:g.(?_32379423)_(32379565_?)del

Gene: SPAST (spastin; plus strand). Cytogenetic location: 2p22.3.
Variant type: Deletion.
Identifiers: ClinVar variation 1453894 (VCV001453894.5).

ClinVar aggregate classification (germline): Pathogenic (1 of 4 stars; one submission).

Conditions:
Hereditary spastic paraplegia 4. Also called: Spastic paraplegia 4, autosomal dominant; Spastic Paraplegia 4; Familial spastic paraplegia autosomal dominant 2. Identifiers: Orphanet 100985, MedGen C1866855, MONDO:0008438, OMIM 182601.

Submission:

Labcorp Genetics (formerly Invitae), Labcorp
Classification: Pathogenic for Hereditary spastic paraplegia 4. Last evaluated: 2024-01-15. Review status: criteria provided, single submitter. Criteria: Invitae Variant Classification Sherloc (09022015). Collection method: clinical testing. Allele origin: germline.
Comment: This variant is a gross deletion of the genomic region encompassing exon(s) 17 of the SPAST gene, which includes the termination codon. This deletion extends beyond the assayed region for this gene and therefore may encompass additional genes. While this deletion is not anticipated to lead to nonsense mediated decay, it is expected to alter mRNA translation or result in a truncated protein product. A similar copy number variant has been observed in individual(s) with SPAST-related disease (PMID: 11134375, 17035675, 17345589). In at least one individual the variant was observed to be de novo. It has also been observed to segregate with disease in related individuals. For these reasons, this variant has been classified as Pathogenic.

Literature cited by the submitters: PubMed 11134375; PubMed 17035675; PubMed 17345589.